The following is an entry in ClinVar:

ClinVar aggregate classification (germline): Benign/Likely benign. Review status: criteria provided, multiple submitters, no conflicts (2 of 4 stars). 4 submissions from 4 submitters: Benign (1); Likely benign (3). Last evaluated 2024-11-01.

Conditions:
Hereditary cancer-predisposing syndrome. Also called: Neoplastic Syndromes, Hereditary; Hereditary neoplastic syndrome; Tumor predisposition; Hereditary Cancer Syndrome. Identifiers: Orphanet 140162, MedGen C0027672, MeSH D009386, MONDO:0015356.
Multiple endocrine neoplasia, type 1 (MEN1). Also called: MEA I; MEN I; WERMER SYNDROME; Endocrine adenomatosis multiple; MEN 1. Identifiers: Orphanet 652, MedGen C0025267, MeSH D018761, MONDO:0007540, OMIM 131100.

Allele frequency attached by ClinVar (database versions not stated): TOPMed below 0.00001; gnomAD 0.00001.
gnomAD v4.1: 1 of 1,614,100 alleles (0.000062%); highest among the groups gnomAD compares: Non-Finnish European, 0.000085%; no homozygotes.

Submissions (4):

Myriad Genetics, Inc.
Classification: Benign for Multiple endocrine neoplasia, type 1. Last evaluated: 2024-11-01. Review status: criteria provided, single submitter. Criteria: Myriad Autosomal Dominant, Autosomal Recessive and X-Linked Classification Criteria (2023). Collection method: clinical testing. Allele origin: unknown.
Comment: This variant is considered benign. This variant is a silent/synonymous amino acid change and it is not expected to impact splicing.

All of Us Research Program, National Institutes of Health
Classification: Likely benign for Multiple endocrine neoplasia, type 1. Last evaluated: 2024-03-24. Review status: criteria provided, single submitter. Criteria: ACMG Guidelines, 2015. Collection method: clinical testing. Allele origin: germline. Inheritance: Autosomal dominant inheritance. Observed: 1 variant allele, 1 heterozygote.
Comment: This study involves interpretation of variants in research participants for the purpose of population health screening. Participant phenotype was not available at the time of variant classification. Additional details can be found in publication PMID: 35346344, PMCID: PMC8962531

Labcorp Genetics (formerly Invitae), Labcorp
Classification: Likely benign for Multiple endocrine neoplasia, type 1. Last evaluated: 2023-03-03. Review status: criteria provided, single submitter. Criteria: Invitae Variant Classification Sherloc (09022015). Collection method: clinical testing. Allele origin: germline.

Ambry Genetics
Classification: Likely benign for Hereditary cancer-predisposing syndrome. Last evaluated: 2022-04-19. Review status: criteria provided, single submitter. Criteria: Ambry Variant Classification Scheme 2023. Collection method: clinical testing. Allele origin: germline.

NM_001370259.2(MEN1):c.387C>G (p.Leu129=)

Gene: MEN1 (menin 1; minus strand). Cytogenetic location: 11q13.1.
Variant type: single nucleotide variant.
Coding change: c.387C>G on transcript NM_001370259.2 (MANE Select); coding-DNA position 387, C replaced by G.
Protein change: p.Leu129=; no amino-acid change (leucine 129 retained).
Molecular consequence: synonymous variant.
Genome position (GRCh38, 1-based): chr11:64,809,723, G>C on the plus strand (C>G on the coding strand, the complement: MEN1 is on the minus strand). VCF-style: chr11-64809723-G-C. GRCh37 (hg19) VCF-style: chr11-64577195-G-C.
Other names: c.387C>G, p.Leu129= (NM_000244.4, NM_001370251.2, NM_001370260.2 and 9 more transcripts).
Identifiers: ClinVar variation 1617496 (VCV001617496.12), dbSNP rs1257890690, ClinGen allele CA475163284.